The following is an entry in ClinVar:

ClinVar aggregate classification (germline): Likely benign (1 of 4 stars; one submission).

Conditions:
Tuberous sclerosis 1 (TSC1). Identifiers: Orphanet 805, MedGen C1854465, MONDO:0008612, OMIM 191100.

Submission:

Myriad Genetics, Inc.
Classification: Likely benign for Tuberous sclerosis 1. Last evaluated: 2025-04-25. Review status: criteria provided, single submitter. Criteria: Myriad Autosomal Dominant, Autosomal Recessive and X-Linked Classification Criteria (2023). Collection method: clinical testing. Allele origin: unknown.
Comment: This variant is considered likely benign. This variant is intronic and is not expected to impact mRNA splicing.

NM_000368.5(TSC1):c.2392-7del

Gene: TSC1 (TSC complex subunit 1; minus strand). Cytogenetic location: 9q34.13.
Variant type: Deletion.
Coding change: c.2392-7del on transcript NM_000368.5 (MANE Select); 7 bases into the intron before coding-DNA position 2392, one base deleted (T; older notation c.2392-7delT).
Molecular consequence: intron variant.
Genome position (GRCh38, 1-based): chr9:132,901,706, A deleted on the plus strand (T on the coding strand, the reverse complement: TSC1 is on the minus strand); the first of 3 consecutive A bases (chr9:132,901,706-132,901,708); deleting any one gives the same sequence. VCF-style (leftmost placement, unchanged base first): chr9-132901705-CA-C. GRCh37 (hg19) VCF-style: chr9-135777092-CA-C.
Other names: c.2026-7del (NM_001406620.1, NM_001406625.1, NM_001406621.1 and 2 more transcripts); c.2029-7del (NM_001406618.1, NM_001406617.1, NM_001406619.1 and 5 more transcripts); c.2236-7del (NM_001406613.1, NM_001406612.1, NM_001406611.1); c.2239-7del (NM_001406610.1, NM_001162427.2); c.1438-7del (NM_001406627.1, NM_001406628.1); c.1339-7del (NM_001406629.1, NM_001406630.1); c.2374-7del (NM_001406603.1, NM_001406604.1); c.2389-7del (NM_001406609.1, NM_001406597.1, NM_001406600.1 and 4 more transcripts); and 3 more.
Identifiers: ClinVar variation 4071276 (VCV004071276.1).
Genomic context (GRCh38, chr9:132,901,705, plus strand): 5'-TCTTCAGTTCTATCCGCAGCTCCGCAATCATGTTCCTGCAGTCCTCCAGCTTCGTCTGCC[CA>C]AAGAGACGTGGACATGAAGTTTGAGGAACACCAACAGGCCAGATCACAGGCCTACCTAGC-3'